The following is an entry in ClinVar:

NM_001378454.1(ALMS1):c.7540+1G>T

Gene: ALMS1 (ALMS1 centrosome and basal body associated protein; plus strand). Cytogenetic location: 2p13.1.
Variant type: single nucleotide variant.
Coding change: c.7540+1G>T on transcript NM_001378454.1 (MANE Select); the canonical splice donor site of the intron after coding-DNA position 7540, G replaced by T.
Molecular consequence: splice donor variant.
Genome position (GRCh38, 1-based): chr2:73,454,068, G>T. VCF-style: chr2-73454068-G-T. GRCh37 (hg19) VCF-style: chr2-73681195-G-T.
Other names: c.7540+1G>T (NM_015120.4).
Identifiers: ClinVar variation 1949556 (VCV001949556.5), dbSNP rs746546834, ClinGen allele CA1714252.

ClinVar aggregate classification (germline): Likely pathogenic (1 of 4 stars; one submission).

Conditions:
Alstrom syndrome (ALMS). Identifiers: Orphanet 64, MedGen C0268425, MONDO:0008763, OMIM 203800.

Allele frequency attached by ClinVar (database versions not stated): gnomAD exomes below 0.00001; ExAC 0.00001.
gnomAD v4.1: 1 of 1,606,774 alleles (0.000062%); highest among the groups gnomAD compares: Non-Finnish European, 0.000085%; no homozygotes.

Submission:

Labcorp Genetics (formerly Invitae), Labcorp
Classification: Likely pathogenic for Alstrom syndrome. Last evaluated: 2022-09-13. Review status: criteria provided, single submitter. Criteria: Invitae Variant Classification Sherloc (09022015). Collection method: clinical testing. Allele origin: germline.
Comment: This sequence change affects a donor splice site in intron 8 of the ALMS1 gene. It is expected to disrupt RNA splicing. Variants that disrupt the donor or acceptor splice site typically lead to a loss of protein function (PMID: 16199547), and loss-of-function variants in ALMS1 are known to be pathogenic (PMID: 17594715). This variant is present in population databases (rs746546834, gnomAD 0.001%). This variant has not been reported in the literature in individuals affected with ALMS1-related conditions. Algorithms developed to predict the effect of sequence changes on RNA splicing suggest that this variant may disrupt the consensus splice site. In summary, the currently available evidence indicates that the variant is pathogenic, but additional data are needed to prove that conclusively. Therefore, this variant has been classified as Likely Pathogenic.

Literature cited by the submitters: PubMed 16199547; PubMed 17594715.